The following is an entry in ClinVar:

NM_033026.6(PCLO):c.8767A>G (p.Ile2923Val)

Gene: PCLO (piccolo presynaptic cytomatrix protein; minus strand). Cytogenetic location: 7q21.11.
Variant type: single nucleotide variant.
Coding change: c.8767A>G on transcript NM_033026.6 (MANE Select); coding-DNA position 8767, A replaced by G.
Protein change: p.Ile2923Val; replaces isoleucine 2923 with valine.
Molecular consequence: missense variant.
Genome position (GRCh38, 1-based): chr7:82,952,186, T>C on the plus strand (A>G on the coding strand, the complement: PCLO is on the minus strand). VCF-style: chr7-82952186-T-C. GRCh37 (hg19) VCF-style: chr7-82581502-T-C.
Other names: c.8767A>G, p.Ile2923Val (NM_014510.3); short protein forms I2923V.
Identifiers: ClinVar variation 2965880 (VCV002965880.3), dbSNP rs1214143114, ClinGen allele CA367910103.

ClinVar aggregate classification (germline): Uncertain significance (1 of 4 stars; one submission).

Allele frequency attached by ClinVar (database versions not stated): gnomAD exomes below 0.00001.
gnomAD v4.1: 2 of 1,613,620 alleles (0.00012%); highest among the groups gnomAD compares: Non-Finnish European, 0.00017%; no homozygotes.

Submission:

Labcorp Genetics (formerly Invitae), Labcorp
Classification: Uncertain significance. Last evaluated: 2023-10-12. Review status: criteria provided, single submitter. Criteria: Invitae Variant Classification Sherloc (09022015). Collection method: clinical testing. Allele origin: germline.
Comment: This sequence change replaces isoleucine, which is neutral and non-polar, with valine, which is neutral and non-polar, at codon 2923 of the PCLO protein (p.Ile2923Val). This variant is present in population databases (no rsID available, gnomAD 0.0009%). This variant has not been reported in the literature in individuals affected with PCLO-related conditions. Algorithms developed to predict the effect of missense changes on protein structure and function output the following: SIFT: "Not Available"; PolyPhen-2: "Not Available"; Align-GVGD: "Not Available". The valine amino acid residue is found in multiple mammalian species, which suggests that this missense change does not adversely affect protein function. In summary, the available evidence is currently insufficient to determine the role of this variant in disease. Therefore, it has been classified as a Variant of Uncertain Significance.